The following is an entry in ClinVar:

NM_001277313.2(FMN1):c.2044-2194C>T

Gene: FMN1 (formin 1; minus strand). Cytogenetic location: 15q13.3.
Variant type: single nucleotide variant.
Coding change: c.2044-2194C>T on transcript NM_001277313.2 (MANE Select); 2194 bases into the intron before coding-DNA position 2044, C replaced by T.
Molecular consequence: intron variant. On other transcripts: missense variant (1).
Genome position (GRCh38, 1-based): chr15:33,067,268, G>A on the plus strand (C>T on the coding strand, the complement: FMN1 is on the minus strand). VCF-style: chr15-33067268-G-A. GRCh37 (hg19) VCF-style: chr15-33359469-G-A.
Other names: c.617C>T, p.Pro206Leu (NM_001103184.4); short protein forms P206L.
Identifiers: ClinVar variation 3710686 (VCV003710686.2).

ClinVar aggregate classification (germline): Uncertain significance (1 of 4 stars; one submission).

gnomAD v4.1: 12 of 1,613,414 alleles (0.00074%); highest among the groups gnomAD compares: African/African-American, 0.0013%; no homozygotes.

Submission:

Labcorp Genetics (formerly Invitae), Labcorp
Classification: Uncertain significance. Last evaluated: 2024-09-11. Review status: criteria provided, single submitter. Criteria: Invitae Variant Classification Sherloc (09022015). Collection method: clinical testing. Allele origin: germline.
Comment: This sequence change replaces proline, which is neutral and non-polar, with leucine, which is neutral and non-polar, at codon 206 of the FMN1 protein (p.Pro206Leu). This variant is present in population databases (no rsID available, gnomAD 0.002%). This variant has not been reported in the literature in individuals affected with FMN1-related conditions. Experimental studies and prediction algorithms are not available or were not evaluated, and the functional significance of this variant is currently unknown. In summary, the available evidence is currently insufficient to determine the role of this variant in disease. Therefore, it has been classified as a Variant of Uncertain Significance.